The following is an entry in ClinVar:

NM_001098484.3(SLC4A4):c.*2028A>G

Gene: SLC4A4 (solute carrier family 4 member 4; plus strand). Cytogenetic location: 4q13.3.
Variant type: single nucleotide variant.
Coding change: c.*2028A>G on transcript NM_001098484.3 (MANE Select); 2028 bases downstream of the stop codon, A replaced by G.
Molecular consequence: 3 prime UTR variant.
Genome position (GRCh38, 1-based): chr4:71,569,779, A>G. VCF-style: chr4-71569779-A-G. GRCh37 (hg19) VCF-style: chr4-72435496-A-G.
Other names: c.*1886A>G (NM_001134742.2); c.*2028A>G (NM_003759.4).
Identifiers: ClinVar variation 349592 (VCV000349592.5), dbSNP rs72854478, ClinGen allele CA10618249.
Genomic context (GRCh38, chr4:71,569,779, plus strand): 5'-CATTGTTATGTTAATTAAGTTATTATTCTGTCTCCTTGTAATTTTGATTACAAAAATTTT[A>G]TTATCCTGAGTTAGCTGTTACTTTTACAGTACCTGATACTCCTAAAACTTTTAACTTATA-3'

ClinVar aggregate classification (germline): Likely benign (1 of 4 stars; one submission).

Conditions:
Autosomal recessive proximal renal tubular acidosis (PRTAO). Also called: RTA, PROXIMAL, AUTOSOMAL RECESSIVE; RENAL TUBULAR ACIDOSIS, PROXIMAL, WITH OCULAR ABNORMALITIES AND MENTAL RETARDATION; RENAL TUBULAR ACIDOSIS, PROXIMAL, WITH OCULAR ABNORMALITIES AND IMPAIRED INTELLECTUAL DEVELOPMENT; PROXIMAL RENAL TUBULAR ACIDOSIS-OCULAR ANOMALY SYNDROME. Identifiers: Orphanet 93607, MedGen C1970309, MONDO:0011422, OMIM 604278.

Allele frequency attached by ClinVar (database versions not stated): gnomAD 0.02203 and 0.02380; 1000 Genomes Project 0.02356; 1000 Genomes Project 30x 0.02467; TOPMed 0.02486.

Submission:

Illumina Laboratory Services, Illumina
Classification: Likely benign for Autosomal recessive proximal renal tubular acidosis. Last evaluated: 2017-04-27. Review status: criteria provided, single submitter. Criteria: ICSL Variant Classification Criteria 13 December 2019. Collection method: clinical testing. Allele origin: germline.
Comment: This variant was observed as part of a predisposition screen in an ostensibly healthy population. A literature search was performed for the gene, cDNA change, and amino acid change (where applicable). No publications were found based on this search. Allele frequency data from public databases allowed determination this variant is unlikely to cause disease. Therefore, this variant is classified as likely benign.